The following is an entry in ClinVar:

NM_000154.2(GALK1):c.22dup (p.Gln8fs)

Gene: GALK1 (galactokinase 1; minus strand). Cytogenetic location: 17q25.1.
Variant type: Duplication.
Coding change: c.22dup on transcript NM_000154.2 (MANE Select); coding-DNA position 22, one base duplicated (C; older notation c.22dupC).
Protein change: p.Gln8fs; shifts the reading frame from glutamine 8.
Molecular consequence: frameshift variant.
Genome position (GRCh38, 1-based): chr17:75,765,115, G duplicated on the plus strand (C on the coding strand, the reverse complement: GALK1 is on the minus strand); the first of 4 consecutive G bases (chr17:75,765,115-75,765,118); duplicating any one gives the same sequence. VCF-style (leftmost placement, unchanged base first): chr17-75765114-T-TG. GRCh37 (hg19) VCF-style: chr17-73761195-T-TG.
Other names: c.22dup, p.Gln8fs (NM_001381985.1); short protein forms Q8fs.
Identifiers: ClinVar variation 5012478 (VCV005012478.1).

ClinVar aggregate classification (germline): Pathogenic (1 of 4 stars; one submission).

Conditions:
Deficiency of galactokinase. Also called: GALACTOSEMIA II; Galactokinase deficiency with cataracts. Identifiers: Orphanet 352, Orphanet 79237, MedGen C0268155, MONDO:0009255, OMIM 230200.

Submission:

Myriad Genetics, Inc.
Classification: Pathogenic for Deficiency of galactokinase. Last evaluated: 2023-11-13. Review status: criteria provided, single submitter. Criteria: Myriad Autosomal Dominant, Autosomal Recessive and X-Linked Classification Criteria (2023). Collection method: clinical testing. Allele origin: unknown.
Comment: NM_000154.1(GALK1):c.22dupC(Q8Pfs*73) is expected to be pathogenic in the context of galactokinase deficiency. This variant is predicted to lead to an abnormal or absent protein product due to the creation of a premature termination codon in GALK1, a gene where loss-of-function variants are known to be pathogenic. Please note: this variant was assessed in the context of healthy population screening.